The following is an entry in ClinVar:

NM_000142.5(FGFR3):c.1412+138G>C

Gene: FGFR3 (fibroblast growth factor receptor 3; plus strand). Cytogenetic location: 4p16.3.
Variant type: single nucleotide variant.
Coding change: c.1412+138G>C on transcript NM_000142.5 (MANE Select); 138 bases into the intron after coding-DNA position 1412, G replaced by C.
Molecular consequence: intron variant.
Genome position (GRCh38, 1-based): chr4:1,805,107, G>C. VCF-style: chr4-1805107-G-C. GRCh37 (hg19) VCF-style: chr4-1806834-G-C.
Other names: c.1415+138G>C (NM_001354809.2, NM_001354810.2); c.1418+138G>C (NM_001163213.2); c.1076+138G>C (NM_022965.4).
Identifiers: ClinVar variation 680178 (VCV000680178.2), dbSNP rs4865476, ClinGen allele CA91255862.
Genomic context (GRCh38, chr4:1,805,107, plus strand): 5'-GCTGGGTTTAGGGGCCGTCAGGGATGTGGCGGATGTTGGGTGTGGCTGGGGTTCTGTGGA[G>C]ATGCTCCTGGGACGGGTGTATGGCAGGGACTGCCCCTCTCAAGGTGCCCTGTCTGGAGGG-3'

ClinVar aggregate classification (germline): Benign. Review status: criteria provided, multiple submitters, no conflicts (2 of 4 stars). 2 submissions from 2 submitters: Benign (2). Last evaluated 2018-06-14.

Allele frequency attached by ClinVar (database versions not stated): TOPMed 0.96071; 1000 Genomes Project 0.96186; 1000 Genomes Project 30x 0.96190.
gnomAD v4.1: 1,337,716 of 1,346,902 alleles (99%); highest among the groups gnomAD compares: Non-Finnish European, 100%; 664,813 homozygotes.

Submissions (2):

GeneDx
Classification: Benign. Last evaluated: 2018-06-14. Review status: criteria provided, single submitter. Criteria: GeneDx Variant Classification (06012015). Collection method: clinical testing. Allele origin: germline. Affected: yes.
Comment: This variant is considered likely benign or benign based on one or more of the following criteria: it is a conservative change, it occurs at a poorly conserved position in the protein, it is predicted to be benign by multiple in silico algorithms, and/or has population frequency not consistent with disease.

Breakthrough Genomics
Classification: Benign. Review status: criteria provided, single submitter. Criteria: ACMG Guidelines, 2015. Collection method: not provided. Allele origin: germline. Inheritance: Autosomal dominant inheritance. Affected: yes.